The following is an entry in ClinVar:

NM_052947.4(ALPK2):c.5231A>G (p.Glu1744Gly)

Genes: ALPK2 (alpha kinase 2; minus strand), LOC130062577 (ATAC-STARR-seq lymphoblastoid active region 13389; plus strand). Cytogenetic location: 18q21.31.
Variant type: single nucleotide variant.
Coding change: c.5231A>G on transcript NM_052947.4 (MANE Select); coding-DNA position 5231, A replaced by G.
Protein change: p.Glu1744Gly; replaces glutamic acid 1744 with glycine.
Molecular consequence: missense variant.
Genome position (GRCh38, 1-based): chr18:58,534,956, T>C on the plus strand (A>G on the coding strand, the complement: ALPK2 is on the minus strand). VCF-style: chr18-58534956-T-C. GRCh37 (hg19) VCF-style: chr18-56202188-T-C.
Other names: short protein forms E1744G.
Identifiers: ClinVar variation 3529525 (VCV003529525.1).

ClinVar aggregate classification (germline): Uncertain significance (1 of 4 stars; one submission).

gnomAD v4.1: 1 of 1,614,188 alleles (0.000062%); highest among the groups gnomAD compares: Non-Finnish European, 0.000085%; no homozygotes.

Submission:

Ambry Genetics
Classification: Uncertain significance. Last evaluated: 2024-08-13. Review status: criteria provided, single submitter. Criteria: Ambry Variant Classification Scheme 2023. Collection method: clinical testing. Allele origin: germline.
Comment: The p.E1744G variant (also known as c.5231A>G), located in coding exon 4 of the ALPK2 gene, results from an A to G substitution at nucleotide position 5231. The glutamic acid at codon 1744 is replaced by glycine, an amino acid with similar properties. This amino acid position is conserved. In addition, this alteration is predicted to be tolerated by in silico analysis. Based on the available evidence, the clinical significance of this variant remains unclear.